The following is an entry in ClinVar:

ClinVar aggregate classification (germline): Uncertain significance (1 of 4 stars; one submission).

Conditions:
Baller-Gerold syndrome (BGS). Also called: CRANIOSYNOSTOSIS WITH RADIAL DEFECTS. Identifiers: Orphanet 1225, MedGen C0265308, MONDO:0009039, OMIM 218600.

Submission:

Labcorp Genetics (formerly Invitae), Labcorp
Classification: Uncertain significance for Baller-Gerold syndrome. Last evaluated: 2024-07-24. Review status: criteria provided, single submitter. Criteria: Invitae Variant Classification Sherloc (09022015). Collection method: clinical testing. Allele origin: germline.
Comment: This variant, c.2636_2638del, results in the deletion of 1 amino acid(s) of the RECQL4 protein (p.Pro879del), but otherwise preserves the integrity of the reading frame. This variant is not present in population databases (gnomAD no frequency). This variant has not been reported in the literature in individuals affected with RECQL4-related conditions. Experimental studies and prediction algorithms are not available or were not evaluated, and the functional significance of this variant is currently unknown. In summary, the available evidence is currently insufficient to determine the role of this variant in disease. Therefore, it has been classified as a Variant of Uncertain Significance.

NM_004260.4(RECQL4):c.2636_2638del (p.Pro879del)

Gene: RECQL4 (RecQ like helicase 4; minus strand). Cytogenetic location: 8q24.3.
Variant type: Deletion.
Coding change: c.2636_2638del on transcript NM_004260.4 (MANE Select); coding-DNA positions 2636 to 2638, 3 bases deleted (CTC; older notation c.2636_2638delCTC).
Protein change: p.Pro879del; deletes proline 879.
Molecular consequence: inframe deletion. On other transcripts: non-coding transcript variant (3).
Genome position (GRCh38, 1-based): chr8:144,512,964-144,512,966, GAG deleted on the plus strand (CTC on the coding strand, the reverse complement: RECQL4 is on the minus strand); deleting any 3 consecutive bases within chr8:144,512,964-144,512,967 gives the same sequence; the c. name uses the placement nearest the transcript's 3' end. VCF-style (leftmost placement, unchanged base first): chr8-144512963-TGAG-T. GRCh37 (hg19) VCF-style: chr8-145738346-TGAG-T.
Other names: c.2438_2440del, p.Pro813del (NM_001413018.1); c.2636_2638del, p.Pro879del (NM_001413019.1, NM_001413036.1); c.1565_1567del, p.Pro522del (NM_001413023.1, NM_001413024.1, NM_001413028.1 and 5 more transcripts); c.2507_2509del, p.Pro836del (NM_001413025.1); c.1499_1501del, p.Pro500del (NM_001413027.1, NM_001413041.1, NM_001413030.1 and 1 more transcripts); c.1433_1435del, p.Pro478del (NM_001413037.1); c.1367_1369del, p.Pro456del (NM_001413038.1, NM_001413031.1); c.2606_2608del, p.Pro869del (NM_001413039.1); and 6 more; short protein forms P762del, P813del, P847del, P879del, P390del, P500del, P512del, P781del.
Identifiers: ClinVar variation 2830283 (VCV002830283.3), dbSNP rs2537999280, ClinGen allele CA2739269081.